The following is an entry in ClinVar:

ClinVar aggregate classification (germline): Likely benign. Review status: criteria provided, multiple submitters, no conflicts (2 of 4 stars). 5 submissions from 5 submitters: Likely benign (4). 1 of the submissions does not count toward it. Last evaluated 2026-02-02.

Conditions:
Cardiovascular phenotype. Identifiers: MedGen CN230736.
ALPK3-related disorder. Also called: ALPK3-related condition.

Allele frequency attached by ClinVar (database versions not stated): ExAC 0.00007; ESP Exome Variant Server 0.00015.
gnomAD v4.1: 101 of 1,614,032 alleles (0.0063%); highest among the groups gnomAD compares: Non-Finnish European, 0.0082%; no homozygotes.

Submissions (5):

Labcorp Genetics (formerly Invitae), Labcorp
Classification: Likely benign. Last evaluated: 2026-02-02. Review status: criteria provided, single submitter. Criteria: Invitae Variant Classification Sherloc (09022015). Collection method: clinical testing. Allele origin: germline.

Women's Health and Genetics/Laboratory Corporation of America, LabCorp
Classification: Likely benign. Last evaluated: 2025-04-22. Review status: criteria provided, single submitter. Criteria: LabCorp Variant Classification Summary - May 2015. Collection method: clinical testing. Allele origin: germline.

CeGaT Center for Human Genetics Tuebingen
Classification: Likely benign. Last evaluated: 2025-01-01. Review status: criteria provided, single submitter. Criteria: CeGaT Center For Human Genetics Tuebingen Variant Classification Criteria Version 2. Collection method: clinical testing. Allele origin: germline. Affected: yes. Observed: 1 variant allele.
Comment: ALPK3: BP4, BP7

Ambry Genetics
Classification: Likely benign for Cardiovascular phenotype. Last evaluated: 2019-07-17. Review status: criteria provided, single submitter. Criteria: Ambry Variant Classification Scheme 2023. Collection method: clinical testing. Allele origin: germline.

PreventionGenetics, part of Exact Sciences
Classification: Likely benign for ALPK3-related condition. Last evaluated: 2020-09-03. Review status: no assertion criteria provided. Collection method: clinical testing. Allele origin: germline. Not counted in ClinVar's aggregate classification.
Comment: This variant is classified as likely benign based on ACMG/AMP sequence variant interpretation guidelines (Richards et al. 2015 PMID: 25741868, with internal and published modifications).

NM_020778.5(ALPK3):c.4323G>T (p.Thr1441=)

Gene: ALPK3 (alpha kinase 3; plus strand). Cytogenetic location: 15q25.3.
Variant type: single nucleotide variant.
Coding change: c.4323G>T on transcript NM_020778.5 (MANE Select); coding-DNA position 4323, G replaced by T.
Protein change: p.Thr1441=; no amino-acid change (threonine 1441 retained).
Molecular consequence: synonymous variant.
Genome position (GRCh38, 1-based): chr15:84,862,828, G>T. VCF-style: chr15-84862828-G-T. GRCh37 (hg19) VCF-style: chr15-85406059-G-T.
Identifiers: ClinVar variation 1590700 (VCV001590700.27), dbSNP rs372396708, ClinGen allele CA7709931.